The following is an entry in ClinVar:

ClinVar aggregate classification (germline): Uncertain significance (1 of 4 stars; one submission).

Conditions:
Catecholaminergic polymorphic ventricular tachycardia 1. Also called: RYR2-Related Catecholaminergic Polymorphic Ventricular Tachycardia; VENTRICULAR TACHYCARDIA, STRESS-INDUCED POLYMORPHIC 1; VENTRICULAR TACHYCARDIA, CATECHOLAMINERGIC POLYMORPHIC, 1, WITH OR WITHOUT ATRIAL DYSFUNCTION AND/OR DILATED CARDIOMYOPATHY. Identifiers: Orphanet 3286, MedGen C1631597, MONDO:0011484, OMIM 604772.

Allele frequency attached by ClinVar (database versions not stated): TOPMed below 0.00001.
gnomAD v4.1: 2 of 1,613,062 alleles (0.00012%); highest among the groups gnomAD compares: Non-Finnish European, 0.00017%; no homozygotes.

Submission:

Labcorp Genetics (formerly Invitae), Labcorp
Classification: Uncertain significance for Catecholaminergic polymorphic ventricular tachycardia 1. Last evaluated: 2024-01-04. Review status: criteria provided, single submitter. Criteria: Invitae Variant Classification Sherloc (09022015). Collection method: clinical testing. Allele origin: germline.
Comment: This sequence change replaces aspartic acid, which is acidic and polar, with histidine, which is basic and polar, at codon 1418 of the RYR2 protein (p.Asp1418His). This variant is present in population databases (no rsID available, gnomAD 0.0009%). This variant has not been reported in the literature in individuals affected with RYR2-related conditions. Advanced modeling of protein sequence and biophysical properties (such as structural, functional, and spatial information, amino acid conservation, physicochemical variation, residue mobility, and thermodynamic stability) performed at Invitae indicates that this missense variant is not expected to disrupt RYR2 protein function with a negative predictive value of 95%. In summary, the available evidence is currently insufficient to determine the role of this variant in disease. Therefore, it has been classified as a Variant of Uncertain Significance.

NM_001035.3(RYR2):c.4252G>C (p.Asp1418His)

Gene: RYR2 (ryanodine receptor 2; plus strand). Cytogenetic location: 1q43.
Variant type: single nucleotide variant.
Coding change: c.4252G>C on transcript NM_001035.3 (MANE Select); coding-DNA position 4252, G replaced by C.
Protein change: p.Asp1418His; replaces aspartic acid 1418 with histidine.
Molecular consequence: missense variant.
Genome position (GRCh38, 1-based): chr1:237,591,830, G>C. VCF-style: chr1-237591830-G-C. GRCh37 (hg19) VCF-style: chr1-237755130-G-C.
Other names: short protein forms D1418H.
Identifiers: ClinVar variation 3001158 (VCV003001158.3), dbSNP rs1341565026, ClinGen allele CA345398864.